The following is an entry in ClinVar:

NM_030962.4(SBF2):c.1618G>T (p.Val540Leu)

Gene: SBF2 (SET binding factor 2; minus strand). Cytogenetic location: 11p15.4.
Variant type: single nucleotide variant.
Coding change: c.1618G>T on transcript NM_030962.4 (MANE Select); coding-DNA position 1618, G replaced by T.
Protein change: p.Val540Leu; replaces valine 540 with leucine.
Molecular consequence: missense variant.
Genome position (GRCh38, 1-based): chr11:9,963,865, C>A on the plus strand (G>T on the coding strand, the complement: SBF2 is on the minus strand). VCF-style: chr11-9963865-C-A. GRCh37 (hg19) VCF-style: chr11-9985412-C-A.
Other names: c.1618G>T, p.Val540Leu (NM_001386339.1); c.1489G>T, p.Val497Leu (NM_001386342.1); short protein forms V540L, V497L.
Identifiers: ClinVar variation 543349 (VCV000543349.11), dbSNP rs201806063, ClinGen allele CA5881781.

ClinVar aggregate classification (germline): Uncertain significance. Review status: criteria provided, multiple submitters, no conflicts (2 of 4 stars). 3 submissions from 3 submitters: Uncertain significance (3). Last evaluated 2022-03-28.

Conditions:
Charcot-Marie-Tooth disease type 4. Also called: Charcot-Marie-Tooth, Type 4; Charcot-Marie-Tooth disease, type IV. Identifiers: Orphanet 64749, MedGen C4082197, MONDO:0018995.
Inborn genetic diseases. Identifiers: MedGen C0950123, MeSH D030342.

Allele frequency attached by ClinVar (database versions not stated): ExAC 0.00001; gnomAD 0.00001; 1000 Genomes Project 0.00020; 1000 Genomes Project 30x 0.00031.
gnomAD v4.1: 1 of 1,597,598 alleles (0.000063%); highest among the groups gnomAD compares: Non-Finnish European, 0.000086%; no homozygotes.

Submissions (3):

Labcorp Genetics (formerly Invitae), Labcorp
Classification: Uncertain significance for Charcot-Marie-Tooth disease type 4. Last evaluated: 2022-03-28. Review status: criteria provided, single submitter. Criteria: Invitae Variant Classification Sherloc (09022015). Collection method: clinical testing. Allele origin: germline.
Comment: In summary, the available evidence is currently insufficient to determine the role of this variant in disease. Therefore, it has been classified as a Variant of Uncertain Significance. Algorithms developed to predict the effect of missense changes on protein structure and function (SIFT, PolyPhen-2, Align-GVGD) all suggest that this variant is likely to be tolerated. ClinVar contains an entry for this variant (Variation ID: 543349). This variant has not been reported in the literature in individuals affected with SBF2-related conditions. This variant is present in population databases (rs201806063, gnomAD 0.0009%). This sequence change replaces valine, which is neutral and non-polar, with leucine, which is neutral and non-polar, at codon 540 of the SBF2 protein (p.Val540Leu).

Ambry Genetics
Classification: Uncertain significance for Inborn genetic diseases. Last evaluated: 2021-09-16. Review status: criteria provided, single submitter. Criteria: Ambry Variant Classification Scheme 2023. Collection method: clinical testing. Allele origin: germline.
Comment: The p.V540L variant (also known as c.1618G>T), located in coding exon 15 of the SBF2 gene, results from a G to T substitution at nucleotide position 1618. The valine at codon 540 is replaced by leucine, an amino acid with highly similar properties. This amino acid position is conserved. In addition, this alteration is predicted to be tolerated by in silico analysis. Since supporting evidence is limited at this time, the clinical significance of this alteration remains unclear.

Athena Diagnostics
Classification: Uncertain significance. Last evaluated: 2018-11-27. Review status: criteria provided, single submitter. Criteria: Athena Diagnostics Criteria. Collection method: clinical testing. Allele origin: germline.